The following is an entry in ClinVar:

NM_033380.3(COL4A5):c.1276G>A (p.Gly426Arg)

Gene: COL4A5 (collagen type IV alpha 5 chain; plus strand). Cytogenetic location: Xq22.3.
Variant type: single nucleotide variant.
Coding change: c.1276G>A on transcript NM_033380.3 (MANE Select); coding-DNA position 1276, G replaced by A.
Protein change: p.Gly426Arg; replaces glycine 426 with arginine.
Molecular consequence: missense variant.
Genome position (GRCh38, 1-based): chrX:108,591,168, G>A. VCF-style: chrX-108591168-G-A. GRCh37 (hg19) VCF-style: chrX-107834398-G-A.
Other names: p.Gly426Arg; c.1276G>A, p.Gly426Arg (NM_000495.5); short protein forms G426R.
Identifiers: ClinVar variation 24393 (VCV000024393.31), dbSNP rs104886111, ClinGen allele CA258449.

ClinVar aggregate classification (germline): Pathogenic/Likely pathogenic. Review status: criteria provided, multiple submitters, no conflicts (2 of 4 stars). 14 submissions from 14 submitters: Pathogenic (11); Likely pathogenic (2). 1 of the submissions does not count toward it. Last evaluated 2026-01-04.

Conditions:
COL4A5-related disorder. Also called: COL4A5-related condition.
Inborn genetic diseases. Identifiers: MedGen C0950123, MeSH D030342.
X-linked Alport syndrome (ATS1). Also called: COL4A5-Related Nephropathy; NEPHROPATHY AND DEAFNESS, X-LINKED. Identifiers: Orphanet 63, Orphanet 88917, MedGen C4746986, MONDO:0010520, OMIM 301050.

Allele frequency attached by ClinVar (database versions not stated): gnomAD exomes below 0.00001; gnomAD 0.00001.
gnomAD v4.1: 4 of 1,208,783 alleles (0.00033%); highest among the groups gnomAD compares: African/African-American, 0.0017%; no homozygotes.

Submissions 1 to 8 of 14:

Labcorp Genetics (formerly Invitae), Labcorp
Classification: Pathogenic. Last evaluated: 2026-01-04. Review status: criteria provided, single submitter. Criteria: Invitae Variant Classification Sherloc (09022015). Collection method: clinical testing. Allele origin: germline.
Comment: This sequence change replaces glycine, which is neutral and non-polar, with arginine, which is basic and polar, at codon 426 of the COL4A5 protein (p.Gly426Arg). This variant is not present in population databases (gnomAD no frequency). This missense change has been observed in individuals with clinical features of Alport syndrome (PMID: 15954103, 21505094, 30647093; internal data). ClinVar contains an entry for this variant (Variation ID: 24393). Invitae Evidence Modeling of protein sequence and biophysical properties (such as structural, functional, and spatial information, amino acid conservation, physicochemical variation, residue mobility, and thermodynamic stability) indicates that this missense variant is expected to disrupt COL4A5 protein function with a positive predictive value of 95%. This variant disrupts the triple helix domain of COL4A5. Glycine residues within the Gly-Xaa-Yaa repeats of the triple helix domain are required for the structure and stability of fibrillar collagens (PMID: 7695699, 8218237, 19344236). In COL4A5, missense variants at these glycine residues are significantly enriched in individuals with disease (PMID: 23720012, 27627812) compared to the general population (ExAC). For these reasons, this variant has been classified as Pathogenic.

3billion
Classification: Pathogenic for X-linked Alport syndrome. Last evaluated: 2025-11-28. Review status: criteria provided, single submitter. Criteria: ACMG Guidelines, 2015. Collection method: clinical testing. Allele origin: germline. Affected: yes.
Comment: The variant is observed at an extremely low frequency in the gnomAD v4.1.0 dataset (total allele frequency: <0.001%). Predicted Consequence/Location: The variant is located in a mutational hot spot and/or well-established functional domain in which established pathogenic variants have been reported (N/A). In silico tool predictions suggest damaging effect of the variant on gene or gene product [REVEL: 1.00 (>=0.6, sensitivity 0.68 and specificity 0.92); 3Cnet: 0.86 (> 0.75, sensitivity 0.96 and precision 0.92)]. The same nucleotide change resulting in the same amino acid change has been previously reported as pathogenic/likely pathogenic with strong evidence (ClinVar ID: VCV000024393 /PMID: 15954103). The variant has been observed in at least two similarly affected unrelated individuals (PMID: 15954103, 21505094). Therefore, this variant is classified as Pathogenic according to the recommendation of ACMG/AMP guideline.

Victorian Clinical Genetics Services, Murdoch Childrens Research Institute
Classification: Pathogenic for X-linked Alport syndrome. Last evaluated: 2025-08-18. Review status: criteria provided, single submitter. Criteria: ACMG Guidelines, 2015. Collection method: clinical testing. Allele origin: germline. Affected: yes.
Comment: This variant is classified as Pathogenic. Evidence in support of pathogenic classification: Variant is present in gnomAD <0.001 for a dominant condition (v4: 3 heterozygote(s), 0 homozygote(s), 1 hemizygote(s)); This variant has strong previous evidence of pathogenicity in unrelated individuals. This variant has been classified as pathogenic/likely pathogenic by multiple clinical laboratories in ClinVar; Variant is located in the well-established triple helical G-X-Y repeat region and affects a glycine residue (DECIPHER); Missense variant predicted to be damaging by in silico tool(s) or highly conserved with a major amino acid change. Additional information: Variant is predicted to result in a missense amino acid change from Gly to Arg; This variant is hemizygous; This gene is associated with X-linked dominant disease. Males are typically more severely affected than females (PMID: 19965530); Dominant negative and loss of function are known mechanisms of disease in this gene and are associated with X-linked Alport syndrome 1 (MIM#301050). Dominant negative is caused mostly by glycine substitutions that affect the conformation of the protein, and loss of function can be caused by either protein truncating or missense variants (PMID: 24046192, 12028435); Variants in this gene are known to have variable expressivity. There is intrafamilial variability among affected carrier females, possibly due to variable X-inactivation (PMID: 14514738); Inheritance information for this variant is not currently available in this individual.

PreventionGenetics, part of Exact Sciences
Classification: Pathogenic for COL4A5-related condition. Last evaluated: 2025-05-05. Review status: criteria provided, single submitter. Criteria: ACMG Guidelines, 2015. Collection method: clinical testing. Allele origin: germline.
Comment: The COL4A5 c.1276G>A variant is predicted to result in the amino acid substitution p.Gly426Arg. The p.Gly426Arg residue resides in the triple-helical domain (residues 42 – 1456) of the COL4A5 protein where substitutions of the glycine (Gly) residue are usually expected to be pathogenic (Hudson et al. 1993. PubMed ID: 8253711). This variant has been reported in individuals with Alport syndrome and/or focal segmental glomerulosclerosis (see for example, Nagel et al. 2005. PubMed ID: 15954103; Supp. Table 7 in Groopman et al. 2018. PubMed ID: 30586318; Yao et al. 2019. PubMed ID: 30647093). This variant has not been reported in a large population database (gnomAD), indicating this variant is rare. This variant is interpreted as pathogenic.

Genetics laboratory, Institute of Kidney Diseases & Research Centre Dr. H.L. Trivedi Institute Of Transplantation Sciences
Classification: Pathogenic for X-linked Alport syndrome. Last evaluated: 2025-04-23. Review status: criteria provided, single submitter. Criteria: ACMG Guidelines, 2015. Collection method: clinical testing. Allele origin: germline. Inheritance: X-linked dominant inheritance. Affected: yes. Observed: 1 variant allele, 1 hemizygote.
Comment: The COL4A5:c.1276G>A (p.Gly426Arg) variant is classified as Pathogenic according to American College of Medical Genetics and Genomics 2015 guidelines. This variant results in substitution of a highly conserved glycine residue within the collagenous domain, which is critical for triple helix formation and represents a known mutational hotspot associated with Alport syndrome. The variant has been reported in affected individuals, and glycine substitutions at this position and within this domain are a well-established disease mechanism. The change is absent/rare in population databases, and multiple computational tools predict a deleterious effect on protein structure and function, supporting its pathogenic role.

Women's Health and Genetics/Laboratory Corporation of America, LabCorp
Classification: Pathogenic for X-linked Alport syndrome. Last evaluated: 2025-02-05. Review status: criteria provided, single submitter. Criteria: LabCorp Variant Classification Summary - May 2015. Collection method: clinical testing. Allele origin: germline.
Comment: Variant summary: COL4A5 c.1276G>A (p.Gly426Arg) results in a non-conservative amino acid change located in the Triple-helical region of the encoded protein sequence. This missense variant disrupts a critical glycine residue at position 1 of a Gly-X-Y repeat in the collagenous domain of the collagen IV alpha 5 chain, and variants affecting these glycine residues are significantly enriched in individuals with Alport syndrome (PMID: 33854215). Five of five in-silico tools predict a damaging effect of the variant on protein function. The variant was absent in 183146 control chromosomes. c.1276G>A has been reported in the heterozygous or hemizygous state in the literature in multiple individuals affected with X-Linked Alport Syndrome (example, Ma_2011, Zhou_2023, Nagel_2005, Labcorp Genetics (formerly Invitae)). These data indicate that the variant is likely to be associated with disease. To our knowledge, no experimental evidence demonstrating an impact on protein function has been reported. The following publications have been ascertained in the context of this evaluation (PMID: 21505094, 37097554, 15954103). ClinVar contains an entry for this variant (Variation ID: 24393). Based on the evidence outlined above, the variant was classified as pathogenic.

Genomic Medicine Center of Excellence, King Faisal Specialist Hospital and Research Centre
Classification: Pathogenic for X-linked Alport syndrome. Last evaluated: 2024-10-13. Review status: criteria provided, single submitter. Criteria: ACMG Guidelines, 2015. Collection method: clinical testing. Allele origin: germline.
Comment: This variant (GRCh38; NM_033380.3:c.1276G>A:p.Gly426Arg) results in a missense mutation with the conversion of Glycine (Polar amino acid) to Arginine (Basic amino acid) in the COL4A5 protein. Located in a mutational hot spot and/or critical and well established functional domain without benign variation. Not observed at significant frequency in large population cohorts (gnomAD). This variant has a strong Conservation score. Multiple lines of computational evidence support a deleterious effect on the gene or gene product for this variant. ClinVar contains an entry for this variant (Variation ID: 24393). This variant is associated with the following publications: PubMed: 21505094, 15954103, 23720012, 29526710, 30586318, 27627812 In summary, this variant meets our criteria for classification as pathogenic based on the evidence outlined.

Fulgent Genetics
Classification: Pathogenic for X-linked Alport syndrome. Last evaluated: 2024-01-06. Review status: criteria provided, single submitter. Criteria: ACMG Guidelines, 2015. Collection method: clinical testing. Allele origin: germline.